The following is an entry in ClinVar:

NM_021831.6(AGBL5):c.1229C>T (p.Ala410Val)

Gene: AGBL5 (AGBL carboxypeptidase 5; plus strand). Cytogenetic location: 2p23.3.
Variant type: single nucleotide variant.
Coding change: c.1229C>T on transcript NM_021831.6 (MANE Select); coding-DNA position 1229, C replaced by T.
Protein change: p.Ala410Val; replaces alanine 410 with valine.
Molecular consequence: missense variant. On other transcripts: non-coding transcript variant (2).
Genome position (GRCh38, 1-based): chr2:27,056,002, C>T. VCF-style: chr2-27056002-C-T. GRCh37 (hg19) VCF-style: chr2-27278870-C-T.
Other names: c.1229C>T, p.Ala410Val (NM_001035506.1, NM_001035507.3); short protein forms A410V.
Identifiers: ClinVar variation 2162617 (VCV002162617.3), dbSNP rs772072440, ClinGen allele CA1567813.

ClinVar aggregate classification (germline): Conflicting classifications of pathogenicity. Review status: criteria provided, conflicting classifications (1 of 4 stars). 3 submissions from 3 submitters: Uncertain significance (1); Benign (1); Likely benign (1). Last evaluated 2024-04-02.

Conditions:
Retinal dystrophy. Also called: Inherited retinal dystrophy. Identifiers: Orphanet 71862, MedGen C0854723, MeSH D058499, MONDO:0019118, HP:0000556.

Allele frequency attached by ClinVar (database versions not stated): gnomAD 0.00001.
gnomAD v4.1: 105 of 1,614,098 alleles (0.0065%); highest among the groups gnomAD compares: East Asian, 0.23%; no homozygotes.

Submissions (3):

Blueprint Genetics
Classification: Benign. Last evaluated: 2024-04-02. Review status: criteria provided, single submitter. Criteria: ACMG Guidelines, 2015. Collection method: clinical testing. Allele origin: germline.

Dept Of Ophthalmology, Nagoya University
Classification: Likely benign for Retinal dystrophy. Last evaluated: 2023-10-01. Review status: criteria provided, single submitter. Criteria: Submitter's publication. Collection method: research. Allele origin: germline. Affected: yes.

Labcorp Genetics (formerly Invitae), Labcorp
Classification: Uncertain significance. Last evaluated: 2021-12-22. Review status: criteria provided, single submitter. Criteria: Invitae Variant Classification Sherloc (09022015). Collection method: clinical testing. Allele origin: germline.
Comment: This sequence change replaces alanine, which is neutral and non-polar, with valine, which is neutral and non-polar, at codon 410 of the AGBL5 protein (p.Ala410Val). This variant is present in population databases (rs772072440, gnomAD 0.1%). This variant has not been reported in the literature in individuals affected with AGBL5-related conditions. Algorithms developed to predict the effect of missense changes on protein structure and function (SIFT, PolyPhen-2, Align-GVGD) all suggest that this variant is likely to be tolerated. In summary, the available evidence is currently insufficient to determine the role of this variant in disease. Therefore, it has been classified as a Variant of Uncertain Significance.